The following is an entry in ClinVar:

NM_130810.4(DNAAF4):c.1228C>T (p.Arg410Trp)

Genes: DNAAF4 (dynein axonemal assembly factor 4; minus strand), DNAAF4-CCPG1 (DNAAF4-CCPG1 readthrough (NMD candidate); minus strand). Cytogenetic location: 15q21.3.
Variant type: single nucleotide variant.
Coding change: c.1228C>T on transcript NM_130810.4 (MANE Select); coding-DNA position 1228, C replaced by T.
Protein change: p.Arg410Trp; replaces arginine 410 with tryptophan.
Molecular consequence: missense variant. On other transcripts: synonymous variant (1), intron variant (1).
Genome position (GRCh38, 1-based): chr15:55,430,705, G>A on the plus strand (C>T on the coding strand, the complement: DNAAF4 is on the minus strand). VCF-style: chr15-55430705-G-A. GRCh37 (hg19) VCF-style: chr15-55722903-G-A.
Other names: c.1122C>T, p.Phe374= (NM_001033559.3); c.1047+4200C>T (NM_001033560.2); short protein forms R410W.
Identifiers: ClinVar variation 3840703 (VCV003840703.2).
Genomic context (GRCh38, chr15:55,430,705, plus strand): 5'-AATACTTAGTTACTTCTAATAGTCATTAAGATTTTAGTTCTGTTCCTTGAATTACATTCC[G>A]AATCTTCTCAGCATCAATTTGTACAATTTTGTTGGATGGATCAATCTTAAGTGCCGCTTC-3'
Protein context (NP_570722.2, residues 400-420): KIVQIDAEKI[Arg410Trp]NVIQGTELKS

ClinVar aggregate classification (germline): Uncertain significance. Review status: criteria provided, multiple submitters, no conflicts (2 of 4 stars). 2 submissions from 2 submitters: Uncertain significance (2). Last evaluated 2025-04-29.

Conditions:
Inborn genetic diseases. Identifiers: MedGen C0950123, MeSH D030342.

gnomAD v4.1: 20 of 1,612,826 alleles (0.0012%); highest among the groups gnomAD compares: Middle Eastern, 0.016%; no homozygotes.

Submissions (2):

Labcorp Genetics (formerly Invitae), Labcorp
Classification: Uncertain significance. Last evaluated: 2025-04-29. Review status: criteria provided, single submitter. Criteria: Invitae Variant Classification Sherloc (09022015). Collection method: clinical testing. Allele origin: germline.
Comment: This sequence change replaces arginine, which is basic and polar, with tryptophan, which is neutral and slightly polar, at codon 410 of the DNAAF4 protein (p.Arg410Trp). This variant is present in population databases (rs749119169, gnomAD 0.01%). This variant has not been reported in the literature in individuals affected with DNAAF4-related conditions. Invitae Evidence Modeling of protein sequence and biophysical properties (such as structural, functional, and spatial information, amino acid conservation, physicochemical variation, residue mobility, and thermodynamic stability) indicates that this missense variant is expected to disrupt DNAAF4 protein function with a positive predictive value of 80%. Algorithms developed to predict the effect of sequence changes on RNA splicing suggest that this variant may disrupt the consensus splice site. In summary, the available evidence is currently insufficient to determine the role of this variant in disease. Therefore, it has been classified as a Variant of Uncertain Significance.

Ambry Genetics
Classification: Uncertain significance for Inborn genetic diseases. Last evaluated: 2025-01-24. Review status: criteria provided, single submitter. Criteria: Ambry Variant Classification Scheme 2023. Collection method: clinical testing. Allele origin: germline.